The following is an entry in ClinVar:

NM_004991.4(MECOM):c.2474T>C (p.Met825Thr)

Gene: MECOM (MDS1 and EVI1 complex locus; minus strand). Cytogenetic location: 3q26.2.
Variant type: single nucleotide variant.
Coding change: c.2474T>C on transcript NM_004991.4 (MANE Select); coding-DNA position 2474, T replaced by C.
Protein change: p.Met825Thr; replaces methionine 825 with threonine.
Molecular consequence: missense variant.
Genome position (GRCh38, 1-based): chr3:169,115,398, A>G on the plus strand (T>C on the coding strand, the complement: MECOM is on the minus strand). VCF-style: chr3-169115398-A-G. GRCh37 (hg19) VCF-style: chr3-168833186-A-G.
Other names: c.2105T>C, p.Met702Thr (NM_001105077.4); c.1910T>C, p.Met637Thr (NM_001105078.4, NM_001164000.2, NM_001205194.2 and 4 more transcripts); c.1913T>C, p.Met638Thr (NM_001163999.2, NM_001366467.2, NM_001366468.2 and 1 more transcripts); c.2474T>C, p.Met825Thr (NM_001366466.2); c.1502T>C, p.Met501Thr (NM_001366473.2); c.938T>C, p.Met313Thr (NM_001366474.2); short protein forms M501T, M825T, M313T, M638T, M637T, M702T.
Identifiers: ClinVar variation 3871741 (VCV003871741.1).

ClinVar aggregate classification (germline): Uncertain significance (1 of 4 stars; one submission).

Conditions:
Inborn genetic diseases. Identifiers: MedGen C0950123, MeSH D030342.

gnomAD v4.1: 1 of 1,613,834 alleles (0.000062%); highest among the groups gnomAD compares: African/African-American, 0.0013%; no homozygotes.

Submission:

Ambry Genetics
Classification: Uncertain significance for Inborn genetic diseases. Last evaluated: 2025-01-24. Review status: criteria provided, single submitter. Criteria: Ambry Variant Classification Scheme 2023. Collection method: clinical testing. Allele origin: germline.
Comment: The p.M825T variant (also known as c.2474T>C), located in coding exon 8 of the MECOM gene, results from a T to C substitution at nucleotide position 2474. The methionine at codon 825 is replaced by threonine, an amino acid with similar properties. This amino acid position is conserved. In addition, the in silico prediction for this alteration is inconclusive. Based on the available evidence, the clinical significance of this variant remains unclear.